The following is an entry in ClinVar:

ClinVar aggregate classification (germline): Benign/Likely benign. Review status: criteria provided, multiple submitters, no conflicts (2 of 4 stars). 12 submissions from 12 submitters: Benign (4); Likely benign (4). 4 of the submissions do not count toward it. Last evaluated 2026-02-02.

Conditions:
Cardiomyopathy (CMYO). Also called: Cardiomyopathies. Identifiers: Orphanet 167848, MedGen C0878544, MONDO:0004994, HP:0001638. Inheritance: Various modes of inheritance.
Arrhythmogenic cardiomyopathy with wooly hair and keratoderma. Also called: Dilated cardiomyopathy with woolly hair and keratoderma; Carvajal syndrome; PALMOPLANTAR KERATODERMA WITH LEFT VENTRICULAR CARDIOMYOPATHY AND WOOLLY HAIR; Arrhythmogenic cardiomyopathy with woolly hair and keratoderma. Identifiers: Orphanet 65282, MedGen C1854063, MONDO:0011581, OMIM 605676.
Arrhythmogenic right ventricular dysplasia 8 (ARVD8). Also called: Arrhythmogenic Right Ventricular Dysplasia/Cardiomyopathy 8; ARRHYTHMOGENIC RIGHT VENTRICULAR DYSPLASIA, FAMILIAL, 8; ARRHYTHMOGENIC RIGHT VENTRICULAR CARDIOMYOPATHY 8. Identifiers: MedGen C1843896, MONDO:0011831, OMIM 607450.

Allele frequency attached by ClinVar (database versions not stated): TOPMed 0.00204; ESP Exome Variant Server 0.00208; 1000 Genomes Project 0.00319; 1000 Genomes Project 30x 0.00390.
gnomAD v4.1: 597 of 1,613,270 alleles (0.037%); highest among the groups gnomAD compares: African/African-American, 0.63%; 3 homozygotes.

Submissions (12):

Labcorp Genetics (formerly Invitae), Labcorp
Classification: Benign for Arrhythmogenic cardiomyopathy with wooly hair and keratoderma; Arrhythmogenic right ventricular dysplasia 8. Last evaluated: 2026-02-02. Review status: criteria provided, single submitter. Criteria: Invitae Variant Classification Sherloc (09022015). Collection method: clinical testing. Allele origin: germline.

Molecular Diagnostic Laboratory for Inherited Cardiovascular Disease, Montreal Heart Institute
Classification: Likely benign. Last evaluated: 2025-02-17. Review status: criteria provided, single submitter. Criteria: ACMG Guidelines, 2015. Collection method: clinical testing. Allele origin: germline. Affected: no.
Comment: BS1;BP6

Blueprint Genetics
Classification: Likely benign. Last evaluated: 2024-08-09. Review status: criteria provided, single submitter. Criteria: ACMG Guidelines, 2015. Collection method: clinical testing. Allele origin: germline.

CeGaT Center for Human Genetics Tuebingen
Classification: Likely benign. Last evaluated: 2023-11-01. Review status: criteria provided, single submitter. Criteria: CeGaT Center For Human Genetics Tuebingen Variant Classification Criteria Version 2. Collection method: clinical testing. Allele origin: germline. Affected: yes. Observed: 1 variant allele.
Comment: DSP: BP4

Color Diagnostics, LLC DBA Color Health
Classification: Benign for Cardiomyopathy. Last evaluated: 2018-10-08. Review status: criteria provided, single submitter. Criteria: ACMG Guidelines, 2015. Collection method: clinical testing. Allele origin: germline.

Women's Health and Genetics/Laboratory Corporation of America, LabCorp
Classification: Benign. Last evaluated: 2018-02-05. Review status: criteria provided, single submitter. Criteria: LabCorp Variant Classification Summary - May 2015. Collection method: clinical testing. Allele origin: germline.
Comment: Variant summary: DSP c.1266+6G>T alters a non-conserved nucleotide located close to a canonical splice site and therefore could affect mRNA splicing, leading to a significantly altered protein sequence. 3/5 computational tools predict no significant impact on normal splicing. However, these predictions have yet to be confirmed by functional studies. The variant allele was found at a frequency of 0.00065 in 276288 control chromosomes in gnomAD. The observed variant frequency is approximately 64.79 fold of the estimated maximal expected allele frequency for a pathogenic variant in DSP causing Arrhythmia phenotype (1e-05), strongly suggesting that the variant is benign. c.1266+6G>T has been reported in the literature in one individual with DCM (Pugh_2014), and was considered likley benign by the authors. To our knowledge, no experimental evidence demonstrating an impact on protein function has been reported. One clinical diagnostic laboratory has submitted clinical-significance assessments for this variant to ClinVar after 2014 without evidence for independent evaluation. One laboratory classified the variant as benign/likely benign. Based on the evidence outlined above, the variant was classified as benign.

GeneDx
Classification: Benign. Last evaluated: 2014-03-12. Review status: criteria provided, single submitter. Criteria: GeneDx Variant Classification (06012015). Collection method: clinical testing. Allele origin: germline. Affected: yes.
Comment: This variant is considered likely benign or benign based on one or more of the following criteria: it is a conservative change, it occurs at a poorly conserved position in the protein, it is predicted to be benign by multiple in silico algorithms, and/or has population frequency not consistent with disease.

Laboratory for Molecular Medicine, Mass General Brigham Personalized Medicine
Classification: Likely benign. Last evaluated: 2012-01-10. Review status: criteria provided, single submitter. Criteria: LMM Criteria. Collection method: clinical testing. Allele origin: germline. Observed: 2 variant alleles.
Comment: 1266+6G>T in intron 10 of DSP: This variant is not expected to have clinical sig nificance because it has been identified in 0.5% (19/3738) of African American c hromosomes from a broad, though clinically unspecified population (NHLBI Exome S equencing Project). This variant is also liste d in dbSNP (rs73375345). 1266+6G>T in intron 10 of DSP (rs73375345, NHLBI Exome Seq Project; 0.5%, 19/3738)

Clinical Genetics DNA and cytogenetics Diagnostics Lab, Erasmus MC, Erasmus Medical Center
Classification: Likely benign. Review status: no assertion criteria provided. Collection method: clinical testing. Allele origin: germline. Affected: yes. Study: VKGL Data-share Consensus. Not counted in ClinVar's aggregate classification.

Clinical Genetics, Academic Medical Center
Classification: Benign. Review status: no assertion criteria provided. Collection method: clinical testing. Allele origin: germline. Affected: yes. Study: VKGL Data-share Consensus. Not counted in ClinVar's aggregate classification.

Genome Diagnostics Laboratory, University Medical Center Utrecht
Classification: Likely benign. Review status: no assertion criteria provided. Collection method: clinical testing. Allele origin: germline. Affected: yes. Study: VKGL Data-share Consensus. Not counted in ClinVar's aggregate classification.

Joint Genome Diagnostic Labs from Nijmegen and Maastricht, Radboudumc and MUMC+
Classification: Benign. Review status: no assertion criteria provided. Collection method: clinical testing. Allele origin: germline. Affected: yes. Study: VKGL Data-share Consensus. Not counted in ClinVar's aggregate classification.

Literature cited by the submitters: PubMed 24503780 (cited by Women's Health and Genetics/Laboratory Corporation of America, LabCorp).

NM_004415.4(DSP):c.1266+6G>T

Gene: DSP (desmoplakin; plus strand). Cytogenetic location: 6p24.3.
Variant type: single nucleotide variant.
Coding change: c.1266+6G>T on transcript NM_004415.4 (MANE Select); 6 bases into the intron after coding-DNA position 1266, G replaced by T.
Molecular consequence: intron variant.
Genome position (GRCh38, 1-based): chr6:7,567,912, G>T. VCF-style: chr6-7567912-G-T. GRCh37 (hg19) VCF-style: chr6-7568145-G-T.
Other names: c.1266+6G>T (NM_001319034.2, NM_001008844.3, NM_004415.3).
Identifiers: ClinVar variation 44854 (VCV000044854.48), dbSNP rs73375345, ClinGen allele CA004839.